The following is an entry in ClinVar:

NM_001036.6(RYR3):c.5834C>T (p.Pro1945Leu)

Gene: RYR3 (ryanodine receptor 3; plus strand). Cytogenetic location: 15q14.
Variant type: single nucleotide variant.
Coding change: c.5834C>T on transcript NM_001036.6 (MANE Select); coding-DNA position 5834, C replaced by T.
Protein change: p.Pro1945Leu; replaces proline 1945 with leucine.
Molecular consequence: missense variant.
Genome position (GRCh38, 1-based): chr15:33,670,530, C>T. VCF-style: chr15-33670530-C-T. GRCh37 (hg19) VCF-style: chr15-33962731-C-T.
Other names: c.5834C>T, p.Pro1945Leu (NM_001243996.4); c.5834C>T (NM_001036.3); short protein forms P1945L.
Identifiers: ClinVar variation 530968 (VCV000530968.7), dbSNP rs375210672, ClinGen allele CA7459358.
Genomic context (GRCh38, chr15:33,670,530, plus strand): 5'-GAAAACTCTGTGCCTTGGTTTACAAAATCAAAGGCCCACCCAAGCCAGAGAAGGAGCAGC[C>T]GACGGAGGAGGAGGAGAGATGCCCCAGTAAGTGACATTGCCTTTAAATGACAGTGTGCTC-3'
Protein context (NP_001027.3, residues 1935-1955): KGPPKPEKEQ[Pro1945Leu]TEEEERCPTT

ClinVar aggregate classification (germline): Uncertain significance. Review status: criteria provided, multiple submitters, no conflicts (2 of 4 stars). 2 submissions from 2 submitters: Uncertain significance (2). Last evaluated 2021-08-31.

Conditions:
Epileptic encephalopathy. Identifiers: MedGen C0543888, HP:0200134.

Allele frequency attached by ClinVar (database versions not stated): ExAC 0.00002; gnomAD exomes 0.00002; TOPMed 0.00005; gnomAD 0.00006 and 0.00007; ESP Exome Variant Server 0.00008; 1000 Genomes Project 30x 0.00016; 1000 Genomes Project 0.00020.
gnomAD v4.1: 45 of 1,594,622 alleles (0.0028%); highest among the groups gnomAD compares: Middle Eastern, 0.13%; no homozygotes.

Submissions (2):

Labcorp Genetics (formerly Invitae), Labcorp
Classification: Uncertain significance for Epileptic encephalopathy. Last evaluated: 2021-08-31. Review status: criteria provided, single submitter. Criteria: Invitae Variant Classification Sherloc (09022015). Collection method: clinical testing. Allele origin: germline.
Comment: This sequence change replaces proline with leucine at codon 1945 of the RYR3 protein (p.Pro1945Leu). The proline residue is highly conserved and there is a moderate physicochemical difference between proline and leucine. This variant is present in population databases (rs375210672, ExAC 0.003%). This variant has not been reported in the literature in individuals affected with RYR3-related conditions. Algorithms developed to predict the effect of missense changes on protein structure and function (SIFT, PolyPhen-2, Align-GVGD) all suggest that this variant is likely to be tolerated. In summary, the available evidence is currently insufficient to determine the role of this variant in disease. Therefore, it has been classified as a Variant of Uncertain Significance.

Ambry Genetics
Classification: Uncertain significance. Last evaluated: 2021-06-21. Review status: criteria provided, single submitter. Criteria: Ambry Variant Classification Scheme 2023. Collection method: clinical testing. Allele origin: germline.